The following is an entry in ClinVar:

NM_001035.3(RYR2):c.11476+10A>C

Gene: RYR2 (ryanodine receptor 2; plus strand). Cytogenetic location: 1q43.
Variant type: single nucleotide variant.
Coding change: c.11476+10A>C on transcript NM_001035.3 (MANE Select); 10 bases into the intron after coding-DNA position 11476, A replaced by C.
Molecular consequence: intron variant.
Genome position (GRCh38, 1-based): chr1:237,761,038, A>C. VCF-style: chr1-237761038-A-C. GRCh37 (hg19) VCF-style: chr1-237924338-A-C.
Other names: c.11476+10A>C (LRG_402t1).
Identifiers: ClinVar variation 201181 (VCV000201181.12), dbSNP rs794728702, ClinGen allele CA007034.

ClinVar aggregate classification (germline): Conflicting classifications of pathogenicity. Review status: criteria provided, conflicting classifications (1 of 4 stars). 3 submissions from 3 submitters: Uncertain significance (1); Benign (1); Likely benign (1). Last evaluated 2025-09-23.

Conditions:
Catecholaminergic polymorphic ventricular tachycardia 1. Also called: RYR2-Related Catecholaminergic Polymorphic Ventricular Tachycardia; VENTRICULAR TACHYCARDIA, CATECHOLAMINERGIC POLYMORPHIC, 1, WITH OR WITHOUT ATRIAL DYSFUNCTION AND/OR DILATED CARDIOMYOPATHY; VENTRICULAR TACHYCARDIA, STRESS-INDUCED POLYMORPHIC 1. Identifiers: Orphanet 3286, MedGen C1631597, MONDO:0011484, OMIM 604772.
Cardiomyopathy (CMYO). Also called: Cardiomyopathies. Identifiers: Orphanet 167848, MedGen C0878544, MONDO:0004994, HP:0001638. Inheritance: Various modes of inheritance.

Allele frequency attached by ClinVar (database versions not stated): gnomAD 0.00003 and 0.00004; gnomAD exomes 0.00003; TOPMed 0.00004.
gnomAD v4.1: 42 of 1,512,728 alleles (0.0028%); highest among the groups gnomAD compares: Non-Finnish European, 0.0036%; no homozygotes.

Submissions (3):

Labcorp Genetics (formerly Invitae), Labcorp
Classification: Likely benign for Catecholaminergic polymorphic ventricular tachycardia 1. Last evaluated: 2025-09-23. Review status: criteria provided, single submitter. Criteria: Invitae Variant Classification Sherloc (09022015). Collection method: clinical testing. Allele origin: germline.

CHEO Genetics Diagnostic Laboratory, Children's Hospital of Eastern Ontario
Classification: Uncertain significance for Cardiomyopathy. Last evaluated: 2021-06-07. Review status: criteria provided, single submitter. Criteria: ACMG Guidelines, 2015. Collection method: clinical testing. Allele origin: germline.

GeneDx
Classification: Benign. Last evaluated: 2014-09-30. Review status: criteria provided, single submitter. Criteria: GeneDx Variant Classification (06012015). Collection method: clinical testing. Allele origin: germline. Affected: yes.
Comment: This variant is considered likely benign or benign based on one or more of the following criteria: it is a conservative change, it occurs at a poorly conserved position in the protein, it is predicted to be benign by multiple in silico algorithms, and/or has population frequency not consistent with disease.